The following is an entry in ClinVar:

NM_004172.5(SLC1A3):c.246del (p.Pro84fs)

Gene: SLC1A3 (solute carrier family 1 member 3; plus strand). Cytogenetic location: 5p13.2.
Variant type: Deletion.
Coding change: c.246del on transcript NM_004172.5 (MANE Select); coding-DNA position 246, one base deleted (C; older notation c.246delC).
Protein change: p.Pro84fs; shifts the reading frame from proline 84.
Molecular consequence: frameshift variant. On other transcripts: 5 prime UTR variant (3), intron variant (1).
Genome position (GRCh38, 1-based): chr5:36,629,514, C deleted; the last of 2 consecutive C bases (chr5:36,629,513-36,629,514); deleting either gives the same sequence. VCF-style (leftmost placement, unchanged base first): chr5-36629512-TC-T. GRCh37 (hg19) VCF-style: chr5-36629614-TC-T.
Other names: c.246del, p.Pro84fs (NM_001166695.3, NM_001289940.2, NM_001438454.1 and 5 more transcripts); c.-225del (NM_001438460.1, NM_001438461.1); c.-178del (NM_001438462.1); c.181+20910del (NM_001289939.2); short protein forms P84fs.
Identifiers: ClinVar variation 4883858 (VCV004883858.2).

ClinVar aggregate classification (germline): Uncertain significance (1 of 4 stars; one submission).

Conditions:
Episodic ataxia type 6. Identifiers: Orphanet 209967, MedGen C2675211, MONDO:0012982, OMIM 612656.

Submission:

Dasa
Classification: Uncertain significance for Episodic ataxia type 6. Last evaluated: 2026-02-18. Review status: criteria provided, single submitter. Criteria: DASA Assertion Criteria. Collection method: clinical testing. Allele origin: germline.
Comment: NM_004172.5(SLC1A3):c.246del (p.Pro84Leufs*5) is a frameshift variant in SLC1A3 predicted to alter the reading frame and introduce a premature termination codon and is predicted to result in an absent or altered protein product. This variant is rare in population databases. The currently available literature and clinical evidence are not sufficient to establish a definitive association between this variant and the reported condition. Therefore, this variant is classified as a variant of uncertain significance.